The following is an entry in ClinVar:

NM_000316.3(PTH1R):c.617T>C (p.Val206Ala)

Gene: PTH1R (parathyroid hormone 1 receptor; plus strand). Cytogenetic location: 3p21.31.
Variant type: single nucleotide variant.
Coding change: c.617T>C on transcript NM_000316.3 (MANE Select); coding-DNA position 617, T replaced by C.
Protein change: p.Val206Ala; replaces valine 206 with alanine.
Molecular consequence: missense variant.
Genome position (GRCh38, 1-based): chr3:46,898,451, T>C. VCF-style: chr3-46898451-T-C. GRCh37 (hg19) VCF-style: chr3-46939941-T-C.
Other names: c.617T>C, p.Val206Ala (NM_001184744.1); short protein forms V206A.
Identifiers: ClinVar variation 953070 (VCV000953070.3), dbSNP rs2031894011, ClinGen allele CA352495808.

ClinVar aggregate classification (germline): Uncertain significance (1 of 4 stars; one submission).

Conditions:
Metaphyseal chondrodysplasia, Jansen type. Also called: Metaphyseal chondrodysplasia Murk Jansen type; PTH1R-Related Jansen Metaphyseal Chondrodysplasia. Identifiers: Orphanet 33067, MedGen C0265295, MONDO:0007982, OMIM 156400.

Submission:

Foundation for Research in Genetics and Endocrinology, FRIGE's Institute of Human Genetics
Classification: Uncertain significance for Metaphyseal chondrodysplasia, Jansen type. Last evaluated: 2020-04-10. Review status: criteria provided, single submitter. Criteria: ACMG Guidelines, 2015. Collection method: clinical testing. Allele origin: germline. Inheritance: Autosomal dominant inheritance. Affected: yes. Observed: 1 heterozygote.
Comment: A heterozygous missense variation in exon 8 of the PTH1R gene that results in the amino acid substitution of Alanine for Valine at codon 206 was detected. The observed variant c.617T>C (p.Val206Ala) has not been reported in the 1000 genomes and ExAC databases. The in silico prediction of the variant are possibly damaging by PolyPhen-2 (HumDiv) and damaging by SIFT and MutationTaster2. The reference codon is conserved across species. In summary, the variant meets our criteria to be classified as variant of uncertain significance.